The following is an entry in ClinVar:

ClinVar aggregate classification (germline): Uncertain significance. Review status: criteria provided, single submitter (1 of 4 stars). 2 submissions from 2 submitters: Uncertain significance (1). 1 of the submissions does not count toward it. Last evaluated 2019-12-17.

Conditions:
LPIN1-related disorder. Also called: LPIN1-related condition.
Myoglobinuria, acute recurrent, autosomal recessive. Also called: Myoglobinuria, recurrent, autosomal recessive; MYOGLOBINURIA, FAMILIAL PAROXYSMAL PARALYTIC; RHABDOMYOLYSIS, ACUTE RECURRENT. Identifiers: Orphanet 99845, MedGen C1849386, MONDO:0009992, OMIM 268200.

Allele frequency attached by ClinVar (database versions not stated): 1000 Genomes Project 30x 0.00016; 1000 Genomes Project 0.00020; TOPMed 0.00036; gnomAD 0.00044; gnomAD exomes 0.00079; ExAC 0.00082.
gnomAD v4.1: 1,121 of 1,505,156 alleles (0.074%); highest among the groups gnomAD compares: South Asian, 0.11%; 2 homozygotes.

Submissions (2):

Genetics and Molecular Pathology, SA Pathology
Classification: Uncertain significance for Myoglobinuria, acute recurrent, autosomal recessive. Last evaluated: 2019-12-17. Review status: criteria provided, single submitter. Criteria: ACMG Guidelines, 2015. Collection method: clinical testing. Allele origin: germline. Affected: yes.

PreventionGenetics, part of Exact Sciences
Classification: Likely benign for LPIN1-related condition. Last evaluated: 2019-06-25. Review status: no assertion criteria provided. Collection method: clinical testing. Allele origin: germline. Not counted in ClinVar's aggregate classification.
Comment: This variant is classified as likely benign based on ACMG/AMP sequence variant interpretation guidelines (Richards et al. 2015 PMID: 25741868, with internal and published modifications).

NM_001349206.2(LPIN1):c.1714-126A>G

Gene: LPIN1 (lipin 1; plus strand). Cytogenetic location: 2p25.1.
Variant type: single nucleotide variant.
Coding change: c.1714-126A>G on transcript NM_001349206.2 (MANE Select); 126 bases into the intron before coding-DNA position 1714, A replaced by G.
Molecular consequence: intron variant.
Genome position (GRCh38, 1-based): chr2:11,791,788, A>G. VCF-style: chr2-11791788-A-G. GRCh37 (hg19) VCF-style: chr2-11931914-A-G.
Other names: c.1861-126A>G (NM_001261428.3); c.1753-126A>G (NM_001349208.2); c.1804-126A>G (NM_001349207.2); c.1624-126A>G (NM_001261427.3); c.1714-126A>G (NM_001349204.2, NM_001349205.2); c.1711-126A>G (NM_001349202.2, NM_001349203.2); c.1683+3A>G (NM_001349200.2, NM_001349201.2); c.1606-126A>G (NM_001349199.2, NM_145693.4).
Identifiers: ClinVar variation 1803113 (VCV001803113.4), dbSNP rs532095592, ClinGen allele CA1533821.
Genomic context (GRCh38, chr2:11,791,788, plus strand): 5'-TCATGTAATTTTGGACGCCATTAGGTTTTGCTTCTCTAAAATTTTTAACGCACAAATAGT[A>G]TGTTGTGTTTTCTCTGATTTTTTTTTAAATCTTACTTTAATTTGCATGTATGTTTCTTTT-3'